The following is an entry in ClinVar:

ClinVar aggregate classification (germline): Likely pathogenic (1 of 4 stars; one submission).

Conditions:
Progressive familial intrahepatic cholestasis (PFIC). Also called: Progressive family intrahepatic cholestasis; Progressive intrahepatic cholestasis. Identifiers: Orphanet 172, MedGen C0268312, MONDO:0015762.

Submission:

Women's Health and Genetics/Laboratory Corporation of America, LabCorp
Classification: Likely pathogenic for Progressive familial intrahepatic cholestasis. Last evaluated: 2022-05-18. Review status: criteria provided, single submitter. Criteria: LabCorp Variant Classification Summary - May 2015. Collection method: clinical testing. Allele origin: germline.
Comment: Variant summary: The variant identified by MLPA or other technology involves the deletion of exon 2 in the ATP8B1 gene. A presumed nomenclature of c.(-23+1_-22-1)_(181+1_182-1)del has been designated for the purposes of this classification. Although exact breakpoints of this deletion are not known, it is expected to result in loss of the start codon in the ATP8B1 gene, as the first exon is non-coding. The variant was absent in 21302 control chromosomes (gnomAD, Structural Variants Dataset). c.(-23+1_-22-1)_(181+1_182-1)del has been reported in the literature in at least one compound heterozygous individual affected with Familial Intrahepatic Cholestasis (Yang_2021). To our knowledge, no experimental evidence demonstrating an impact on protein function has been reported. One ClinVar submitter has assessed the variant since 2014: the variant was classified as pathogenic. Based on the evidence outlined above, the variant was classified as likely pathogenic.

Literature cited by the submitters: PubMed 34543749.

NC_000018.9:g.(55373820_55398858)_(55399062_55470229)del

Gene: ATP8B1 (ATPase phospholipid transporting 8B1; minus strand). Cytogenetic location: 18q21.31.
Variant type: Deletion.
Identifiers: ClinVar variation 1696273 (VCV001696273.1).